The following is an entry in ClinVar:

ClinVar aggregate classification (germline): Conflicting classifications of pathogenicity. Review status: criteria provided, conflicting classifications (1 of 4 stars). 2 submissions from 2 submitters: Likely pathogenic (1); Uncertain significance (1). Last evaluated 2022-09-28.

Conditions:
Combined oxidative phosphorylation defect type 24. Also called: Combined oxidative phosphorylation deficiency 24. Identifiers: Orphanet 444458, MedGen C4015643, MONDO:0014547, OMIM 616239.

Submissions (2):

Illumina Laboratory Services, Illumina
Classification: Likely pathogenic. Last evaluated: 2022-09-28. Review status: criteria provided, single submitter. Criteria: ICSL CNVClassificationCriteria Aug2020. Collection method: clinical testing. Allele origin: unknown. Affected: yes.
Comment: The NARS2 c.1141A>G (p.Asn381Asp) missense variant results in the substitution of asparagine at amino acid position 381 with aspartic acid. This variant has been reported in a compound heterozygous state in one individual with combined oxidative phosphorylation deficiency (COXPD) (PMID: 35558980). Another variant at the same amino acid position, c.1142A>G (p.Asn381Ser), has been reported in a compound heterozygous state in one individual with COXPD (PMID: 25807530). The c.1141A>G variant is not found in version 2.1.1 or version 3.1.2 of the Genome Aggregation Database. Western blot analysis demonstrated the variant showed lower steady-state levels compared to that of the wild type (PMID: 35558980). The c.1141A>G variant lies within the catalytic domain of the protein. Based on the available evidence, the c.1141A>G (p.Asn381Asp) variant is classified as likely pathogenic for primary mitochondrial disease.

SIB Swiss Institute of Bioinformatics
Classification: Uncertain significance for Combined oxidative phosphorylation defect type 24. Last evaluated: 2022-06-08. Review status: criteria provided, single submitter. Criteria: ACMG Guidelines, 2015. Collection method: curation. Allele origin: unknown.
Comment: This variant is interpreted as a variant of uncertain significance for Combined oxidative phosphorylation deficiency 24, autosomal recessive. The following ACMG Tag(s) were applied: Absent from controls (or at extremely low frequency if recessive) in Exome Sequencing Project, 1000 Genomes Project, or Exome Aggregation Consortium (PM2); Multiple lines of computational evidence support a deleterious effect on the gene or gene product (PP3); Novel missense change at an amino acid residue where a different missense change determined to be pathogenic has been seen before (PM5).

Literature cited by the submitters: PubMed 25807530 (cited by Illumina Laboratory Services, Illumina); PubMed 35558980 (cited by Illumina Laboratory Services, Illumina and SIB Swiss Institute of Bioinformatics).

NM_024678.6(NARS2):c.1141A>G (p.Asn381Asp)

Genes: NARS2 (asparaginyl-tRNA synthetase 2, mitochondrial; minus strand), LOC130006506 (ATAC-STARR-seq lymphoblastoid active region 5325; plus strand). Cytogenetic location: 11q14.1.
Variant type: single nucleotide variant.
Coding change: c.1141A>G on transcript NM_024678.6 (MANE Select); coding-DNA position 1141, A replaced by G.
Protein change: p.Asn381Asp; replaces asparagine 381 with aspartic acid.
Molecular consequence: missense variant.
Genome position (GRCh38, 1-based): chr11:78,465,899, T>C on the plus strand (A>G on the coding strand, the complement: NARS2 is on the minus strand). VCF-style: chr11-78465899-T-C. GRCh37 (hg19) VCF-style: chr11-78176945-T-C.
Other names: c.460A>G, p.Asn154Asp (NM_001243251.2); short protein forms N154D, N381D.
Identifiers: ClinVar variation 1691418 (VCV001691418.5), dbSNP rs2135213081, ClinGen allele CA382176022.